The following is an entry in ClinVar:

NM_001040108.2(MLH3):c.877A>G (p.Ser293Gly)

Gene: MLH3 (mutL homolog 3; minus strand). Cytogenetic location: 14q24.3.
Variant type: single nucleotide variant.
Coding change: c.877A>G on transcript NM_001040108.2 (MANE Select); coding-DNA position 877, A replaced by G.
Protein change: p.Ser293Gly; replaces serine 293 with glycine.
Molecular consequence: missense variant.
Genome position (GRCh38, 1-based): chr14:75,048,779, T>C on the plus strand (A>G on the coding strand, the complement: MLH3 is on the minus strand). VCF-style: chr14-75048779-T-C. GRCh37 (hg19) VCF-style: chr14-75515482-T-C.
Other names: c.877A>G, p.Ser293Gly (NM_014381.3); short protein forms S293G.
Identifiers: ClinVar variation 1764627 (VCV001764627.2), dbSNP rs1892450164, ClinGen allele CA390448836.

ClinVar aggregate classification (germline): Uncertain significance (1 of 4 stars; one submission).

Allele frequency attached by ClinVar (database versions not stated): gnomAD 0.00001; gnomAD exomes 0.00001.

Submission:

Ambry Genetics
Classification: Uncertain significance. Last evaluated: 2022-01-12. Review status: criteria provided, single submitter. Criteria: Ambry Variant Classification Scheme 2023. Collection method: clinical testing. Allele origin: germline.
Comment: The p.S293G variant (also known as c.877A>G), located in coding exon 1 of the MLH3 gene, results from an A to G substitution at nucleotide position 877. The serine at codon 293 is replaced by glycine, an amino acid with similar properties. This amino acid position is conserved. In addition, this alteration is predicted to be tolerated by in silico analysis. Since supporting evidence is limited at this time, the clinical significance of this alteration remains unclear.